The following is an entry in ClinVar:

NM_000179.3(MSH6):c.2154C>A (p.Ser718Arg)

Gene: MSH6 (mutS homolog 6; plus strand). Cytogenetic location: 2p16.3.
Variant type: single nucleotide variant.
Coding change: c.2154C>A on transcript NM_000179.3 (MANE Select); coding-DNA position 2154, C replaced by A.
Protein change: p.Ser718Arg; replaces serine 718 with arginine.
Molecular consequence: missense variant.
Genome position (GRCh38, 1-based): chr2:47,800,137, C>A. VCF-style: chr2-47800137-C-A. GRCh37 (hg19) VCF-style: chr2-48027276-C-A.
Other names: c.1764C>A, p.Ser588Arg (NM_001281492.2); c.1248C>A, p.Ser416Arg (NM_001281493.2, NM_001281494.2); short protein forms S416R, S718R, S588R.
Identifiers: ClinVar variation 945630 (VCV000945630.8), dbSNP rs771662801, ClinGen allele CA346751122.

ClinVar aggregate classification (germline): Uncertain significance (1 of 4 stars; one submission).

Conditions:
Hereditary nonpolyposis colorectal neoplasms. Identifiers: MedGen C0009405, MeSH D003123.

gnomAD v4.1: 1 of 1,614,124 alleles (0.000062%); no homozygotes.

Submission:

Labcorp Genetics (formerly Invitae), Labcorp
Classification: Uncertain significance for Hereditary nonpolyposis colorectal neoplasms. Last evaluated: 2021-10-12. Review status: criteria provided, single submitter. Criteria: Invitae Variant Classification Sherloc (09022015). Collection method: clinical testing. Allele origin: germline.
Comment: This variant has not been reported in the literature in individuals affected with MSH6-related conditions. In summary, the available evidence is currently insufficient to determine the role of this variant in disease. Therefore, it has been classified as a Variant of Uncertain Significance. Algorithms developed to predict the effect of missense changes on protein structure and function output the following: SIFT: "Tolerated"; PolyPhen-2: "Benign"; Align-GVGD: "Class C0". The arginine amino acid residue is found in multiple mammalian species, which suggests that this missense change does not adversely affect protein function. This variant is not present in population databases (ExAC no frequency). This sequence change replaces serine with arginine at codon 718 of the MSH6 protein (p.Ser718Arg). The serine residue is weakly conserved and there is a moderate physicochemical difference between serine and arginine.